The following is an entry in ClinVar:

ClinVar aggregate classification (germline): Uncertain significance (1 of 4 stars; one submission).

Allele frequency attached by ClinVar (database versions not stated): ExAC 0.00001; gnomAD 0.00001; TOPMed 0.00003; gnomAD exomes 0.00014.
gnomAD v4.1: 201 of 1,596,656 alleles (0.013%); highest among the groups gnomAD compares: Non-Finnish European, 0.017%; no homozygotes.

Submission:

Labcorp Genetics (formerly Invitae), Labcorp
Classification: Uncertain significance. Last evaluated: 2022-08-12. Review status: criteria provided, single submitter. Criteria: Invitae Variant Classification Sherloc (09022015). Collection method: clinical testing. Allele origin: germline.
Comment: This sequence change replaces methionine, which is neutral and non-polar, with isoleucine, which is neutral and non-polar, at codon 651 of the ADAMTSL4 protein (p.Met651Ile). This variant is present in population databases (no rsID available, gnomAD 0.004%). This variant has not been reported in the literature in individuals affected with ADAMTSL4-related conditions. Algorithms developed to predict the effect of missense changes on protein structure and function (SIFT, PolyPhen-2, Align-GVGD) all suggest that this variant is likely to be tolerated. In summary, the available evidence is currently insufficient to determine the role of this variant in disease. Therefore, it has been classified as a Variant of Uncertain Significance.

NM_019032.6(ADAMTSL4):c.1953G>A (p.Met651Ile)

Genes: ADAMTSL4 (ADAMTS like 4; plus strand), ADAMTSL4-AS2 (ADAMTSL4 antisense RNA 2; minus strand). Cytogenetic location: 1q21.2.
Variant type: single nucleotide variant.
Coding change: c.1953G>A on transcript NM_019032.6 (MANE Select); coding-DNA position 1953, G replaced by A.
Protein change: p.Met651Ile; replaces methionine 651 with isoleucine.
Molecular consequence: missense variant. On other transcripts: intron variant (1).
Genome position (GRCh38, 1-based): chr1:150,557,241, G>A. VCF-style: chr1-150557241-G-A. GRCh37 (hg19) VCF-style: chr1-150529717-G-A.
Other names: c.2022G>A, p.Met674Ile (NM_001288608.2); c.1953G>A, p.Met651Ile (NM_001378596.1, NM_025008.5); c.1857-21G>A (NM_001288607.2); short protein forms M651I, M674I.
Identifiers: ClinVar variation 1987132 (VCV001987132.1), dbSNP rs1377243205, ClinGen allele CA1078466.